The following is an entry in ClinVar:

NM_000051.4(ATM):c.2581T>C (p.Tyr861His)

Gene: ATM (ATM serine/threonine kinase; plus strand). Cytogenetic location: 11q22.3.
Variant type: single nucleotide variant.
Coding change: c.2581T>C on transcript NM_000051.4 (MANE Select); coding-DNA position 2581, T replaced by C.
Protein change: p.Tyr861His; replaces tyrosine 861 with histidine.
Molecular consequence: missense variant.
Genome position (GRCh38, 1-based): chr11:108,267,285, T>C. VCF-style: chr11-108267285-T-C. GRCh37 (hg19) VCF-style: chr11-108138012-T-C.
Other names: c.2581T>C, p.Tyr861His (NM_001351834.2); short protein forms Y861H.
Identifiers: ClinVar variation 630420 (VCV000630420.9), dbSNP rs1565416692, ClinGen allele CA382543948.

ClinVar aggregate classification (germline): Conflicting classifications of pathogenicity. Review status: criteria provided, conflicting classifications (1 of 4 stars). 3 submissions from 3 submitters: Uncertain significance (2); Likely benign (1). Last evaluated 2025-10-02.

Conditions:
Hereditary cancer-predisposing syndrome. Also called: Hereditary Cancer Syndrome; Neoplastic Syndromes, Hereditary; Tumor predisposition; Hereditary neoplastic syndrome. Identifiers: Orphanet 140162, MedGen C0027672, MeSH D009386, MONDO:0015356.
Ataxia-telangiectasia syndrome (AT). Also called: Ataxia-telangiectasia, complementation group D; AT, COMPLEMENTATION GROUP C; Ataxia-telangiectasia; ATAXIA-TELANGIECTASIA, COMPLEMENTATION GROUP A; ATAXIA-TELANGIECTASIA, FRESNO VARIANT; LOUIS-BAR SYNDROME. Identifiers: Orphanet 100, MedGen C0004135, MONDO:0008840, OMIM 208900.

Submissions (3):

Ambry Genetics
Classification: Likely benign for Hereditary cancer-predisposing syndrome. Last evaluated: 2025-10-02. Review status: criteria provided, single submitter. Criteria: Ambry Variant Classification Scheme 2023. Collection method: clinical testing. Allele origin: germline.

Labcorp Genetics (formerly Invitae), Labcorp
Classification: Uncertain significance for Ataxia-telangiectasia syndrome. Last evaluated: 2025-07-16. Review status: criteria provided, single submitter. Criteria: Invitae Variant Classification Sherloc (09022015). Collection method: clinical testing. Allele origin: germline.
Comment: This sequence change replaces tyrosine, which is neutral and polar, with histidine, which is basic and polar, at codon 861 of the ATM protein (p.Tyr861His). This variant is not present in population databases (gnomAD no frequency). This missense change has been observed in individual(s) with colorectal cancer (PMID: 28135145). ClinVar contains an entry for this variant (Variation ID: 630420). Invitae Evidence Modeling of protein sequence and biophysical properties (such as structural, functional, and spatial information, amino acid conservation, physicochemical variation, residue mobility, and thermodynamic stability) indicates that this missense variant is not expected to disrupt ATM protein function with a negative predictive value of 95%. In summary, the available evidence is currently insufficient to determine the role of this variant in disease. Therefore, it has been classified as a Variant of Uncertain Significance.

Color Diagnostics, LLC DBA Color Health
Classification: Uncertain significance for Hereditary cancer-predisposing syndrome. Last evaluated: 2019-02-02. Review status: criteria provided, single submitter. Criteria: ACMG Guidelines, 2015. Collection method: clinical testing. Allele origin: germline.

Literature cited by the submitters: PubMed 28135145 (cited by Labcorp Genetics (formerly Invitae), Labcorp).